The following is an entry in ClinVar:

NM_198578.4(LRRK2):c.1822A>C (p.Ser608Arg)

Gene: LRRK2 (leucine rich repeat kinase 2; plus strand). Cytogenetic location: 12q12.
Variant type: single nucleotide variant.
Coding change: c.1822A>C on transcript NM_198578.4 (MANE Select); coding-DNA position 1822, A replaced by C.
Protein change: p.Ser608Arg; replaces serine 608 with arginine.
Molecular consequence: missense variant.
Genome position (GRCh38, 1-based): chr12:40,274,874, A>C. VCF-style: chr12-40274874-A-C. GRCh37 (hg19) VCF-style: chr12-40668676-A-C.
Other names: short protein forms S608R.
Identifiers: ClinVar variation 4798780 (VCV004798780.1).

ClinVar aggregate classification (germline): Uncertain significance (1 of 4 stars; one submission).

Conditions:
Autosomal dominant Parkinson disease 8. Also called: Parkinson disease 8, susceptibility to; LRRK2-Related Parkinson Disease; Parkinson disease 8. Identifiers: Orphanet 411602, MedGen C1846862, MONDO:0011764, OMIM 607060.

gnomAD v4.1: 69 of 1,611,718 alleles (0.0043%); highest among the groups gnomAD compares: Non-Finnish European, 0.0056%; no homozygotes.

Submission:

Labcorp Genetics (formerly Invitae), Labcorp
Classification: Uncertain significance for Autosomal dominant Parkinson disease 8. Last evaluated: 2025-04-22. Review status: criteria provided, single submitter. Criteria: Invitae Variant Classification Sherloc (09022015). Collection method: clinical testing. Allele origin: germline.
Comment: This sequence change replaces serine, which is neutral and polar, with arginine, which is basic and polar, at codon 608 of the LRRK2 protein (p.Ser608Arg). This variant is present in population databases (rs201131172, gnomAD 0.007%). This variant has not been reported in the literature in individuals affected with LRRK2-related conditions. Invitae Evidence Modeling of protein sequence and biophysical properties (such as structural, functional, and spatial information, amino acid conservation, physicochemical variation, residue mobility, and thermodynamic stability) has been performed for this missense variant. However, the output from this modeling did not meet the statistical confidence thresholds required to predict the impact of this variant on LRRK2 protein function. In summary, the available evidence is currently insufficient to determine the role of this variant in disease. Therefore, it has been classified as a Variant of Uncertain Significance.